The following is an entry in ClinVar:

NM_001077653.2(TBX20):c.1135A>G (p.Ile379Val)

Gene: TBX20 (T-box transcription factor 20; minus strand). Cytogenetic location: 7p14.2.
Variant type: single nucleotide variant.
Coding change: c.1135A>G on transcript NM_001077653.2 (MANE Select); coding-DNA position 1135, A replaced by G.
Protein change: p.Ile379Val; replaces isoleucine 379 with valine.
Molecular consequence: missense variant.
Genome position (GRCh38, 1-based): chr7:35,202,639, T>C on the plus strand (A>G on the coding strand, the complement: TBX20 is on the minus strand). VCF-style: chr7-35202639-T-C. GRCh37 (hg19) VCF-style: chr7-35242251-T-C.
Other names: short protein forms I379V.
Identifiers: ClinVar variation 3707723 (VCV003707723.2).

ClinVar aggregate classification (germline): Uncertain significance (1 of 4 stars; one submission).

gnomAD v4.1: 3 of 1,613,832 alleles (0.00019%); highest among the groups gnomAD compares: Admixed American, 0.0017%; no homozygotes.

Submission:

Labcorp Genetics (formerly Invitae), Labcorp
Classification: Uncertain significance. Last evaluated: 2024-08-13. Review status: criteria provided, single submitter. Criteria: Invitae Variant Classification Sherloc (09022015). Collection method: clinical testing. Allele origin: germline.
Comment: This sequence change replaces isoleucine, which is neutral and non-polar, with valine, which is neutral and non-polar, at codon 379 of the TBX20 protein (p.Ile379Val). This variant is not present in population databases (gnomAD no frequency). This variant has not been reported in the literature in individuals affected with TBX20-related conditions. Advanced modeling of protein sequence and biophysical properties (such as structural, functional, and spatial information, amino acid conservation, physicochemical variation, residue mobility, and thermodynamic stability) performed at Invitae indicates that this missense variant is not expected to disrupt TBX20 protein function with a negative predictive value of 80%. In summary, the available evidence is currently insufficient to determine the role of this variant in disease. Therefore, it has been classified as a Variant of Uncertain Significance.